The following is an entry in ClinVar:

NM_000551.4(VHL):c.-40C>T

Gene: VHL (von Hippel-Lindau tumor suppressor; plus strand). Cytogenetic location: 3p25.3.
Variant type: single nucleotide variant.
Coding change: c.-40C>T on transcript NM_000551.4 (MANE Select); 40 bases upstream of the start codon, C replaced by T.
Molecular consequence: 5 prime UTR variant.
Genome position (GRCh38, 1-based): chr3:10,141,808, C>T. VCF-style: chr3-10141808-C-T. GRCh37 (hg19) VCF-style: chr3-10183492-C-T.
Other names: c.-40C>T (NM_001354723.2, NM_198156.3).
Identifiers: ClinVar variation 384826 (VCV000384826.2), dbSNP rs1052005754, ClinGen allele CA16604422.

ClinVar aggregate classification (germline): Likely benign. Review status: criteria provided, multiple submitters, no conflicts (2 of 4 stars). 2 submissions from 2 submitters: Likely benign (2). Last evaluated 2026-08-13.

Conditions:
VHL-related disorder. Also called: VHL-related condition.

Allele frequency attached by ClinVar (database versions not stated): TOPMed below 0.00001; gnomAD 0.00001; gnomAD exomes 0.00001.
gnomAD v4.1: 13 of 1,534,962 alleles (0.00085%); highest among the groups gnomAD compares: African/African-American, 0.0014%; no homozygotes.

Submissions (2):

PreventionGenetics, part of Exact Sciences
Classification: Likely benign for VHL-related condition. Last evaluated: 2026-08-13. Review status: criteria provided, single submitter. Criteria: ACMG Guidelines, 2015. Collection method: clinical testing. Allele origin: germline.
Comment: This variant is classified as likely benign based on ACMG/AMP sequence variant interpretation guidelines (Richards et al. 2015 PMID: 25741868, with internal and published modifications).

GeneDx
Classification: Likely benign. Last evaluated: 2016-03-15. Review status: criteria provided, single submitter. Criteria: GeneDx Variant Classification (06012015). Collection method: clinical testing. Allele origin: germline. Affected: yes.
Comment: This variant is considered likely benign or benign based on one or more of the following criteria: it is a conservative change, it occurs at a poorly conserved position in the protein, it is predicted to be benign by multiple in silico algorithms, and/or has population frequency not consistent with disease.